The following is an entry in ClinVar:

NM_018723.4(RBFOX1):c.610C>G (p.Pro204Ala)

Gene: RBFOX1 (RNA binding fox-1 homolog 1; plus strand). Cytogenetic location: 16p13.3.
Variant type: single nucleotide variant.
Coding change: c.610C>G on transcript NM_018723.4 (MANE Select); coding-DNA position 610, C replaced by G.
Protein change: p.Pro204Ala; replaces proline 204 with alanine.
Molecular consequence: missense variant.
Genome position (GRCh38, 1-based): chr16:7,597,419, C>G. VCF-style: chr16-7597419-C-G. GRCh37 (hg19) VCF-style: chr16-7647421-C-G.
Other names: c.610C>G, p.Pro204Ala (NM_001142333.2, NM_001142334.2, NM_001364800.2); c.739C>G, p.Pro247Ala (NM_001308117.1); c.670C>G, p.Pro224Ala (NM_145891.3, NM_145892.3, NM_145893.3); short protein forms P247A, P204A, P224A.
Identifiers: ClinVar variation 1441427 (VCV001441427.8), dbSNP rs1360100229, ClinGen allele CA394683113.

ClinVar aggregate classification (germline): Uncertain significance (1 of 4 stars; one submission).

Conditions:
Idiopathic generalized epilepsy. Also called: Generalised epilepsy; EIG. Identifiers: MedGen C0270850, MONDO:0005579, OMIM 600669.

Submission:

Labcorp Genetics (formerly Invitae), Labcorp
Classification: Uncertain significance for Idiopathic generalized epilepsy. Last evaluated: 2023-10-13. Review status: criteria provided, single submitter. Criteria: Invitae Variant Classification Sherloc (09022015). Collection method: clinical testing. Allele origin: germline.
Comment: This sequence change replaces proline, which is neutral and non-polar, with alanine, which is neutral and non-polar, at codon 224 of the RBFOX1 protein (p.Pro224Ala). This variant is not present in population databases (gnomAD no frequency). This variant has not been reported in the literature in individuals affected with RBFOX1-related conditions. ClinVar contains an entry for this variant (Variation ID: 1441427). Advanced modeling of protein sequence and biophysical properties (such as structural, functional, and spatial information, amino acid conservation, physicochemical variation, residue mobility, and thermodynamic stability) performed at Invitae indicates that this missense variant is not expected to disrupt RBFOX1 protein function. In summary, the available evidence is currently insufficient to determine the role of this variant in disease. Therefore, it has been classified as a Variant of Uncertain Significance.